The following is an entry in ClinVar:

NM_012448.4(STAT5B):c.2065G>T (p.Glu689Ter)

Gene: STAT5B (signal transducer and activator of transcription 5B; minus strand). Cytogenetic location: 17q21.2.
Variant type: single nucleotide variant.
Coding change: c.2065G>T on transcript NM_012448.4 (MANE Select); coding-DNA position 2065, G replaced by T.
Protein change: p.Glu689Ter; replaces glutamic acid 689 with a stop codon.
Molecular consequence: nonsense.
Genome position (GRCh38, 1-based): chr17:42,207,570, C>A on the plus strand (G>T on the coding strand, the complement: STAT5B is on the minus strand). VCF-style: chr17-42207570-C-A. GRCh37 (hg19) VCF-style: chr17-40359588-C-A.
Other names: short protein forms E689*.
Identifiers: ClinVar variation 1394582 (VCV001394582.6), dbSNP rs778995803, ClinGen allele CA399575086.

ClinVar aggregate classification (germline): Pathogenic (1 of 4 stars; one submission).

Conditions:
Growth hormone insensitivity with immune dysregulation 1, autosomal recessive. Also called: Laron syndrome with immunodeficiency; GROWTH HORMONE INSENSITIVITY SYNDROME WITH IMMUNE DYSREGULATION 1, AUTOSOMAL RECESSIVE; GROWTH HORMONE INSENSITIVITY DUE TO POSTRECEPTOR DEFECT; LARON SYNDROME DUE TO POSTRECEPTOR DEFECT. Identifiers: Orphanet 220465, MedGen C5435698, MONDO:0100211, OMIM 245590.

Submission:

Labcorp Genetics (formerly Invitae), Labcorp
Classification: Pathogenic for Growth hormone insensitivity with immune dysregulation 1, autosomal recessive. Last evaluated: 2021-04-16. Review status: criteria provided, single submitter. Criteria: Invitae Variant Classification Sherloc (09022015). Collection method: clinical testing. Allele origin: germline.
Comment: For these reasons, this variant has been classified as Pathogenic. This variant has not been reported in the literature in individuals with STAT5B-related conditions. This variant is not present in population databases (ExAC no frequency). This sequence change creates a premature translational stop signal (p.Glu689*) in the STAT5B gene. It is expected to result in an absent or disrupted protein product. Loss-of-function variants in STAT5B are known to be pathogenic (PMID: 15827093).

Literature cited by the submitters: PubMed 15827093.